The following is an entry in ClinVar:

NM_000264.5(PTCH1):c.1420G>A (p.Val474Ile)

Gene: PTCH1 (patched 1; minus strand). Cytogenetic location: 9q22.32.
Variant type: single nucleotide variant.
Coding change: c.1420G>A on transcript NM_000264.5 (MANE Select); coding-DNA position 1420, G replaced by A.
Protein change: p.Val474Ile; replaces valine 474 with isoleucine.
Molecular consequence: missense variant. On other transcripts: non-coding transcript variant (1), intron variant (1).
Genome position (GRCh38, 1-based): chr9:95,477,630, C>T on the plus strand (G>A on the coding strand, the complement: PTCH1 is on the minus strand). VCF-style: chr9-95477630-C-T. GRCh37 (hg19) VCF-style: chr9-98239912-C-T.
Other names: c.1222G>A, p.Val408Ile (NM_001083602.3); c.1417G>A, p.Val473Ile (NM_001083603.3); c.967G>A, p.Val323Ile (NM_001083604.3, NM_001083605.3, NM_001083606.3 and 1 more transcripts); c.1347+425G>A (NM_001354918.2); short protein forms V408I, V474I, V323I, V473I.
Identifiers: ClinVar variation 409176 (VCV000409176.16), dbSNP rs766898310, ClinGen allele CA5138656.

ClinVar aggregate classification (germline): Conflicting classifications of pathogenicity. Review status: criteria provided, conflicting classifications (1 of 4 stars). 5 submissions from 5 submitters: Uncertain significance (2); Likely benign (3). Last evaluated 2026-02-04.

Conditions:
Gorlin syndrome. Also called: Nevoid Basal Cell Carcinoma Syndrome; Basal cell nevus syndrome. Identifiers: Orphanet 377, MedGen C0004779, MONDO:0007187.
Hereditary cancer-predisposing syndrome. Also called: Hereditary neoplastic syndrome; Neoplastic Syndromes, Hereditary; Tumor predisposition; Hereditary Cancer Syndrome. Identifiers: Orphanet 140162, MedGen C0027672, MeSH D009386, MONDO:0015356.
PTCH1-related disorder. Also called: PTCH1-related disorders; PTCH1-related condition.

Allele frequency attached by ClinVar (database versions not stated): ExAC 0.00001; gnomAD exomes 0.00001 and 0.00002; TOPMed 0.00001; gnomAD 0.00002 and 0.00003.
gnomAD v4.1: 20 of 1,614,086 alleles (0.0012%); highest among the groups gnomAD compares: East Asian, 0.011%; no homozygotes.

Submissions (5):

Labcorp Genetics (formerly Invitae), Labcorp
Classification: Likely benign for Gorlin syndrome. Last evaluated: 2026-02-04. Review status: criteria provided, single submitter. Criteria: Invitae Variant Classification Sherloc (09022015). Collection method: clinical testing. Allele origin: germline.

GeneDx
Classification: Uncertain significance. Last evaluated: 2025-03-18. Review status: criteria provided, single submitter. Criteria: GeneDx Variant Classification Process June 2021. Collection method: clinical testing. Allele origin: germline. Affected: yes.
Comment: In silico analysis indicates that this missense variant does not alter protein structure/function; Has not been previously published as pathogenic or benign to our knowledge; This variant is associated with the following publications: (PMID: 33179747, 11369205)

Women's Health and Genetics/Laboratory Corporation of America, LabCorp
Classification: Likely benign. Last evaluated: 2023-06-28. Review status: criteria provided, single submitter. Criteria: LabCorp Variant Classification Summary - May 2015. Collection method: clinical testing. Allele origin: germline.
Comment: Variant summary: PTCH1 c.1420G>A (p.Val474Ile) results in a conservative amino acid change located in the Sterol-sensing domain (IPR000731) of the encoded protein sequence. Four of five in-silico tools predict a damaging effect of the variant on protein function. The variant allele was found at a frequency of 5e-05 in 359698 control chromosomes (gnomAD and jMorp databases; Tadaka_2021). The observed variant frequency is approximately 3 fold of the estimated maximal expected allele frequency for a pathogenic variant in PTCH1 causing Nevoid Basal Cell Carcinoma Syndrome (Gorlin Syndrome) phenotype (1.7e-05), strongly suggesting that the variant is benign. To our knowledge, no occurrence of c.1420G>A in individuals affected with Nevoid Basal Cell Carcinoma Syndrome (Gorlin Syndrome) and no experimental evidence demonstrating its impact on protein function have been reported. The following publication was ascertained in the context of this evaluation (PMID: 33179747). Two submitters have reported clinical-significance assessments for this variant to ClinVar after 2014. One submitter classified the variant as likely benign, and one submitter classified the variant as uncertain significance. Based on the evidence outlined above, the variant was classified as likely benign.

Ambry Genetics
Classification: Likely benign for Hereditary cancer-predisposing syndrome. Last evaluated: 2023-06-13. Review status: criteria provided, single submitter. Criteria: Ambry Variant Classification Scheme 2023. Collection method: clinical testing. Allele origin: germline.

PreventionGenetics, part of Exact Sciences
Classification: Uncertain significance for PTCH1-related condition. Last evaluated: 2022-09-30. Review status: criteria provided, single submitter. Criteria: ACMG Guidelines, 2015. Collection method: clinical testing. Allele origin: germline.
Comment: The PTCH1 c.1420G>A variant is predicted to result in the amino acid substitution p.Val474Ile. To our knowledge, this variant has not been reported in the literature. This variant is reported in 0.016% of alleles in individuals of East Asian descent in gnomAD. In the ClinVar database, this variant has been listed as 'uncertain' by one outside laboratory. At this time, the clinical significance of this variant is uncertain due to the absence of conclusive functional and genetic evidence.

Literature cited by the submitters: PubMed 33179747 (cited by Women's Health and Genetics/Laboratory Corporation of America, LabCorp).